The following is an entry in ClinVar:

NM_000368.5(TSC1):c.2624_2625+3dup

Gene: TSC1 (TSC complex subunit 1; minus strand). Cytogenetic location: 9q34.13.
Variant type: Duplication.
Coding change: c.2624_2625+3dup on transcript NM_000368.5 (MANE Select); coding-DNA position 2624 through 3 bases into the intron after coding-DNA position 2625, 5 bases duplicated (AGGTA; older notation c.2624_2625+3dupAGGTA).
Molecular consequence: splice donor variant.
Genome position (GRCh38, 1-based): chr9:132,900,712-132,900,716, TACCT duplicated on the plus strand (AGGTA on the coding strand, the reverse complement: TSC1 is on the minus strand); duplicating any 5 consecutive bases within chr9:132,900,712-132,900,717 gives the same sequence; the c. name uses the placement nearest the transcript's 3' end. VCF-style (leftmost placement, unchanged base first): chr9-132900711-A-ATACCT. GRCh37 (hg19) VCF-style: chr9-135776098-A-ATACCT.
Other names: c.2261_2262+3dup (NM_001362177.2); c.2471_2472+3dup (NM_001162427.2); c.2621_2622+3dup (NM_001162426.2).
Identifiers: ClinVar variation 1793981 (VCV001793981.4), dbSNP rs2538546973, ClinGen allele CA2580080128.

ClinVar aggregate classification (germline): Uncertain significance. Review status: criteria provided, multiple submitters, no conflicts (2 of 4 stars). 2 submissions from 2 submitters: Uncertain significance (2). Last evaluated 2024-04-17.

Conditions:
Hereditary cancer-predisposing syndrome. Also called: Neoplastic Syndromes, Hereditary; Tumor predisposition; Hereditary neoplastic syndrome; Hereditary Cancer Syndrome. Identifiers: Orphanet 140162, MedGen C0027672, MeSH D009386, MONDO:0015356.
Tuberous sclerosis 1 (TSC1). Identifiers: Orphanet 805, MedGen C1854465, MONDO:0008612, OMIM 191100.

Submissions (2):

Labcorp Genetics (formerly Invitae), Labcorp
Classification: Uncertain significance for Tuberous sclerosis 1. Last evaluated: 2024-04-17. Review status: criteria provided, single submitter. Criteria: Invitae Variant Classification Sherloc (09022015). Collection method: clinical testing. Allele origin: germline.
Comment: This sequence change falls in intron 20 of the TSC1 gene. It does not directly change the encoded amino acid sequence of the TSC1 protein. It affects a nucleotide within the consensus splice site. This variant is not present in population databases (gnomAD no frequency). This variant has not been reported in the literature in individuals affected with TSC1-related conditions. ClinVar contains an entry for this variant (Variation ID: 1793981). Variants that disrupt the consensus splice site are a relatively common cause of aberrant splicing (PMID: 17576681, 9536098). RNA analysis performed to evaluate the impact of this variant on mRNA splicing indicates it does not significantly alter splicing (Invitae). In summary, the available evidence is currently insufficient to determine the role of this variant in disease. Therefore, it has been classified as a Variant of Uncertain Significance.

Ambry Genetics
Classification: Uncertain significance for Hereditary cancer-predisposing syndrome. Last evaluated: 2020-08-13. Review status: criteria provided, single submitter. Criteria: Ambry Variant Classification Scheme 2023. Collection method: clinical testing. Allele origin: germline.
Comment: The c.2624_2625+3dupAGGTA variant results from a duplication of 5 nucleotides at positions c.2624 to c.2625+3 at the end of coding exon 18 of the TSC1 gene. This region is well conserved in available vertebrate species. In silico splice site analysis predicts that this alteration will not have any significant effect on splicing. Since supporting evidence is limited at this time, the clinical significance of this alteration remains unclear.

Literature cited by the submitters: PubMed 17576681 (cited by Labcorp Genetics (formerly Invitae), Labcorp); PubMed 9536098 (cited by Labcorp Genetics (formerly Invitae), Labcorp).